The following is an entry in ClinVar:

ClinVar aggregate classification (germline): Uncertain significance (1 of 4 stars; one submission).

Submission:

GeneDx
Classification: Uncertain significance. Last evaluated: 2023-05-18. Review status: criteria provided, single submitter. Criteria: GeneDx Variant Classification Process June 2021. Collection method: clinical testing. Allele origin: germline. Affected: yes.
Comment: In silico analysis supports that this missense variant does not alter protein structure/function; Has not been previously published as pathogenic or benign to our knowledge

NM_020223.4(FAM20C):c.451C>T (p.Pro151Ser)

Gene: FAM20C (FAM20C golgi associated secretory pathway kinase; plus strand). Cytogenetic location: 7p22.3.
Variant type: single nucleotide variant.
Coding change: c.451C>T on transcript NM_020223.4 (MANE Select); coding-DNA position 451, C replaced by T.
Protein change: p.Pro151Ser; replaces proline 151 with serine.
Molecular consequence: missense variant.
Genome position (GRCh38, 1-based): chr7:193,650, C>T. VCF-style: chr7-193650-C-T. GRCh37 (hg19) VCF-style: chr7-193650-C-T.
Other names: short protein forms P151S.
Identifiers: ClinVar variation 3343713 (VCV003343713.1).